The following is an entry in ClinVar:

ClinVar aggregate classification (germline): Conflicting classifications of pathogenicity. Review status: criteria provided, conflicting classifications (1 of 4 stars). 2 submissions from 2 submitters: Uncertain significance (1); Likely benign (1). Last evaluated 2026-05-07.

Conditions:
EGFR-related lung cancer (EGFR). Identifiers: MedGen CN130014.
Hereditary cancer-predisposing syndrome. Also called: Tumor predisposition; Neoplastic Syndromes, Hereditary; Hereditary Cancer Syndrome; Hereditary neoplastic syndrome. Identifiers: Orphanet 140162, MedGen C0027672, MeSH D009386, MONDO:0015356.

Submissions (2):

Ambry Genetics
Classification: Likely benign for Hereditary cancer-predisposing syndrome. Last evaluated: 2026-05-07. Review status: criteria provided, single submitter. Criteria: Ambry Variant Classification Scheme 2023. Collection method: clinical testing. Allele origin: germline.

Labcorp Genetics (formerly Invitae), Labcorp
Classification: Uncertain significance for EGFR-related lung cancer. Last evaluated: 2026-01-28. Review status: criteria provided, single submitter. Criteria: Invitae Variant Classification Sherloc (09022015). Collection method: clinical testing. Allele origin: germline.
Comment: This sequence change replaces valine, which is neutral and non-polar, with leucine, which is neutral and non-polar, at codon 524 of the EGFR protein (p.Val524Leu). This variant is not present in population databases (gnomAD no frequency). This variant has not been reported in the literature in individuals affected with EGFR-related conditions. ClinVar contains an entry for this variant (Variation ID: 1425647). An algorithm developed to predict the effect of missense changes on protein structure and function outputs the following: PolyPhen-2: "Benign". The leucine amino acid residue is found in multiple mammalian species, which suggests that this missense change does not adversely affect protein function. In summary, the available evidence is currently insufficient to determine the role of this variant in disease. Therefore, it has been classified as a Variant of Uncertain Significance.

NM_005228.5(EGFR):c.1570G>C (p.Val524Leu)

Gene: EGFR (epidermal growth factor receptor; plus strand). Cytogenetic location: 7p11.2.
Variant type: single nucleotide variant.
Coding change: c.1570G>C on transcript NM_005228.5 (MANE Select); coding-DNA position 1570, G replaced by C.
Protein change: p.Val524Leu; replaces valine 524 with leucine.
Molecular consequence: missense variant.
Genome position (GRCh38, 1-based): chr7:55,161,570, G>C. VCF-style: chr7-55161570-G-C. GRCh37 (hg19) VCF-style: chr7-55229263-G-C.
Other names: c.1570G>C (NM_005228.3); c.1435G>C, p.Val479Leu (NM_001346897.2, NM_001346899.2); c.1570G>C, p.Val524Leu (NM_001346898.2, NM_201282.2, NM_201284.2); c.1411G>C, p.Val471Leu (NM_001346900.2); c.769G>C, p.Val257Leu (NM_001346941.2); short protein forms V257L, V479L, V471L, V524L.
Identifiers: ClinVar variation 1425647 (VCV001425647.9), dbSNP rs587778249, ClinGen allele CA158918367.